The following is an entry in ClinVar:

NM_000238.4(KCNH2):c.1558-8T>A

Gene: KCNH2 (potassium voltage-gated channel subfamily H member 2; minus strand). Cytogenetic location: 7q36.1.
Variant type: single nucleotide variant.
Coding change: c.1558-8T>A on transcript NM_000238.4 (MANE Select); 8 bases into the intron before coding-DNA position 1558, T replaced by A.
Molecular consequence: intron variant.
Genome position (GRCh38, 1-based): chr7:150,951,843, A>T on the plus strand (T>A on the coding strand, the complement: KCNH2 is on the minus strand). VCF-style: chr7-150951843-A-T. GRCh37 (hg19) VCF-style: chr7-150648931-A-T.
Other names: c.1270-8T>A (NM_001406753.1, NM_001406756.1); c.538-8T>A (NM_172057.3, NM_001204798.2); c.1558-8T>A (NM_172056.3); c.1381-8T>A (NM_001406755.1); c.1258-8T>A (NM_001406757.1).
Identifiers: ClinVar variation 922044 (VCV000922044.11), dbSNP rs1032007159, ClinGen allele CA169077080.

ClinVar aggregate classification (germline): Likely benign. Review status: criteria provided, multiple submitters, no conflicts (2 of 4 stars). 3 submissions from 3 submitters: Likely benign (3). Last evaluated 2023-07-29.

Conditions:
Cardiac arrhythmia. Also called: Arrhythmia; Cardiac rhythm disease. Identifiers: MedGen C0003811, MONDO:0007263, HP:0011675.
Long QT syndrome (LQTS). Identifiers: MedGen C0023976, MeSH D008133, MONDO:0002442. Disease mechanism: loss of function. Inheritance: Various modes of inheritance.

Allele frequency attached by ClinVar (database versions not stated): gnomAD exomes below 0.00001; TOPMed below 0.00001; gnomAD 0.00001.
gnomAD v4.1: 9 of 1,563,892 alleles (0.00058%); highest among the groups gnomAD compares: Non-Finnish European, 0.00078%; no homozygotes.

Submissions (3):

Labcorp Genetics (formerly Invitae), Labcorp
Classification: Likely benign for Long QT syndrome. Last evaluated: 2023-07-29. Review status: criteria provided, single submitter. Criteria: Invitae Variant Classification Sherloc (09022015). Collection method: clinical testing. Allele origin: germline.

All of Us Research Program, National Institutes of Health
Classification: Likely benign for Long QT syndrome. Last evaluated: 2023-03-07. Review status: criteria provided, single submitter. Criteria: ACMG Guidelines, 2015. Collection method: clinical testing. Allele origin: germline. Inheritance: Autosomal dominant inheritance. Observed: 1 variant allele, 1 heterozygote.
Comment: This study involves interpretation of variants in research participants for the purpose of population health screening. Participant phenotype was not available at the time of variant classification. Additional details can be found in publication PMID: 35346344, PMCID: PMC8962531

Color Diagnostics, LLC DBA Color Health
Classification: Likely benign for Arrhythmia. Last evaluated: 2018-11-16. Review status: criteria provided, single submitter. Criteria: ACMG Guidelines, 2015. Collection method: clinical testing. Allele origin: germline.